The following is an entry in ClinVar:

NM_005188.4(CBL):c.1238G>A (p.Gly413Asp)

Gene: CBL (Cbl proto-oncogene; plus strand). Cytogenetic location: 11q23.3.
Variant type: single nucleotide variant.
Coding change: c.1238G>A on transcript NM_005188.4 (MANE Select); coding-DNA position 1238, G replaced by A.
Protein change: p.Gly413Asp; replaces glycine 413 with aspartic acid.
Molecular consequence: missense variant.
Genome position (GRCh38, 1-based): chr11:119,278,520, G>A. VCF-style: chr11-119278520-G-A. GRCh37 (hg19) VCF-style: chr11-119149230-G-A.
Other names: short protein forms G413D.
Identifiers: ClinVar variation 1412642 (VCV001412642.8), dbSNP rs2135304402, ClinGen allele CA382913712.

ClinVar aggregate classification (germline): Uncertain significance (1 of 4 stars; one submission).

Conditions:
RASopathy. Also called: rasopathies; Noonan spectrum disorder. Identifiers: Orphanet 536391, MedGen C5555857, MONDO:0021060.

gnomAD v4.1: 1 of 1,614,064 alleles (0.000062%); no homozygotes.

Submission:

Labcorp Genetics (formerly Invitae), Labcorp
Classification: Uncertain significance for RASopathy. Last evaluated: 2024-10-02. Review status: criteria provided, single submitter. Criteria: Invitae Variant Classification Sherloc (09022015). Collection method: clinical testing. Allele origin: germline.
Comment: This sequence change replaces glycine, which is neutral and non-polar, with aspartic acid, which is acidic and polar, at codon 413 of the CBL protein (p.Gly413Asp). This variant is not present in population databases (gnomAD no frequency). This variant has not been reported in the literature in individuals affected with CBL-related conditions. ClinVar contains an entry for this variant (Variation ID: 1412642). Invitae Evidence Modeling of protein sequence and biophysical properties (such as structural, functional, and spatial information, amino acid conservation, physicochemical variation, residue mobility, and thermodynamic stability) has been performed for this missense variant. However, the output from this modeling did not meet the statistical confidence thresholds required to predict the impact of this variant on CBL protein function. In summary, the available evidence is currently insufficient to determine the role of this variant in disease. Therefore, it has been classified as a Variant of Uncertain Significance.